The following is an entry in ClinVar:

NM_022575.4(VPS16):c.1611+1G>T

Gene: VPS16 (VPS16 core subunit of CORVET and HOPS complexes; plus strand). Cytogenetic location: 20p13.
Variant type: single nucleotide variant.
Coding change: c.1611+1G>T on transcript NM_022575.4 (MANE Select); the canonical splice donor site of the intron after coding-DNA position 1611, G replaced by T.
Molecular consequence: splice donor variant.
Genome position (GRCh38, 1-based): chr20:2,864,084, G>T. VCF-style: chr20-2864084-G-T. GRCh37 (hg19) VCF-style: chr20-2844730-G-T.
Other names: c.1179+1G>T (NM_080413.3).
Identifiers: ClinVar variation 4874702 (VCV004874702.2).

ClinVar aggregate classification (germline): Uncertain significance (1 of 4 stars; one submission).

Submission:

CeGaT Center for Human Genetics Tuebingen
Classification: Uncertain significance. Last evaluated: 2026-04-01. Review status: criteria provided, single submitter. Criteria: CeGaT Center For Human Genetics Tuebingen Variant Classification Criteria Version 2. Collection method: clinical testing. Allele origin: germline. Affected: yes. Observed: 1 variant allele.
Comment: VPS16: PM2, PVS1:Moderate